The following is an entry in ClinVar:

NM_001375524.1(TRRAP):c.8313G>T (p.Leu2771=)

Gene: TRRAP (transformation/transcription domain associated protein; plus strand). Cytogenetic location: 7q22.1.
Variant type: single nucleotide variant.
Coding change: c.8313G>T on transcript NM_001375524.1 (MANE Select); coding-DNA position 8313, G replaced by T.
Protein change: p.Leu2771=; no amino-acid change (leucine 2771 retained).
Molecular consequence: synonymous variant.
Genome position (GRCh38, 1-based): chr7:98,977,004, G>T. VCF-style: chr7-98977004-G-T. GRCh37 (hg19) VCF-style: chr7-98574627-G-T.
Other names: c.8292G>T, p.Leu2764= (NM_001244580.2); c.8238G>T, p.Leu2746= (NM_003496.4).
Identifiers: ClinVar variation 4534754 (VCV004534754.6).

ClinVar aggregate classification (germline): Likely benign (1 of 4 stars; one submission).

gnomAD v4.1: 3 of 1,614,230 alleles (0.00019%); highest among the groups gnomAD compares: Non-Finnish European, 0.00017%; no homozygotes.

Submission:

CeGaT Center for Human Genetics Tuebingen
Classification: Likely benign. Last evaluated: 2025-10-01. Review status: criteria provided, single submitter. Criteria: CeGaT Center For Human Genetics Tuebingen Variant Classification Criteria Version 2. Collection method: clinical testing. Allele origin: germline. Affected: yes. Observed: 1 variant allele.
Comment: TRRAP: BP4, BP7